The following is an entry in ClinVar:

ClinVar aggregate classification (germline): Pathogenic. Review status: criteria provided, multiple submitters, no conflicts (2 of 4 stars). 8 submissions from 8 submitters: Pathogenic (7). 1 of the submissions does not count toward it. Last evaluated 2025-12-09.

Conditions:
CNGA3-related disorders.
Achromatopsia 2 (ACHM2). Also called: COLORBLINDNESS, TOTAL; ROD MONOCHROMACY 2; ROD MONOCHROMATISM 2. Identifiers: Orphanet 49382, MedGen C1857618, MONDO:0009003, OMIM 216900.
CNGA3-related disorder. Also called: CNGA3-related condition.

Allele frequency attached by ClinVar (database versions not stated): gnomAD exomes 0.00001; gnomAD 0.00002 and 0.00003; TOPMed 0.00003.
gnomAD v4.1: 22 of 1,614,094 alleles (0.0014%); highest among the groups gnomAD compares: East Asian, 0.0089%; no homozygotes.

Submissions (8):

PreventionGenetics, part of Exact Sciences
Classification: Pathogenic for CNGA3-related condition. Last evaluated: 2025-12-09. Review status: criteria provided, single submitter. Criteria: ACMG Guidelines, 2015. Collection method: clinical testing. Allele origin: germline.
Comment: The CNGA3 c.1495C>T variant is predicted to result in premature protein termination (p.Arg499*). This variant was reported in individuals with autosomal recessive achromatopsia (see, for example, Huang et al. 2016. PubMed ID: 26992781; Inooka et al. 2024. PubMed ID: 39287548). This variant is reported in 0.0050% of alleles in individuals of East Asian descent in gnomAD. Nonsense variants in CNGA3 are expected to be pathogenic. This variant is interpreted as pathogenic.

Dasa
Classification: Pathogenic. Last evaluated: 2025-09-03. Review status: criteria provided, single submitter. Criteria: DASA Assertion Criteria. Collection method: clinical testing. Allele origin: germline.
Comment: NM_001298.3(CNGA3):c.1495C>T (p.Arg499*) introduces a premature termination codon predicted to result in loss of normal protein function. Loss-of-function is an established mechanism of disease for this gene. This variant has been observed in affected individuals with related phenotype in a genotype context consistent with recessive disease (PMID: 26992781; PMID: 29618791; PMID: 24903488). This variant has been recurrently observed in individuals with related phenotype (PMID: 26992781; PMID: 29618791; PMID: 24903488). Segregation evidence has been reported in affected families. The variant is present at low frequency in population datasets. Based on the available data, this variant is classified as pathogenic.

3billion
Classification: Pathogenic for Achromatopsia 2. Last evaluated: 2025-03-26. Review status: criteria provided, single submitter. Criteria: ACMG Guidelines, 2015. Collection method: clinical testing. Allele origin: germline. Affected: yes.
Comment: The variant is observed at an extremely low frequency in the gnomAD v4.1.0 dataset (total allele frequency: 0.001%). Predicted Consequence/Location: Stop-gained (nonsense): predicted to result in a loss or disruption of normal protein function through protein truncation. Multiple pathogenic variants are reported in the predicted truncated region. The variant was homozygous. The variant has been reported at least twice as pathogenic with clinical assertions and evidence for the classification (ClinVar ID: VCV001075088 / PMID: 24269407). Therefore, this variant is classified as Pathogenic according to the recommendation of ACMG/AMP guideline.

Dubai Health Genomic Medicine Center, Dubai Health
Classification: Pathogenic for Achromatopsia 2. Last evaluated: 2024-10-04. Review status: criteria provided, single submitter. Criteria: ACMG Guidelines, 2015. Collection method: research. Allele origin: germline. Affected: yes.
Comment: PVS1,PM3 (moderate), PM2

Labcorp Genetics (formerly Invitae), Labcorp
Classification: Pathogenic. Last evaluated: 2024-06-19. Review status: criteria provided, single submitter. Criteria: Invitae Variant Classification Sherloc (09022015). Collection method: clinical testing. Allele origin: germline.
Comment: This sequence change creates a premature translational stop signal (p.Arg499*) in the CNGA3 gene. While this is not anticipated to result in nonsense mediated decay, it is expected to disrupt the last 196 amino acid(s) of the CNGA3 protein. This variant is present in population databases (no rsID available, gnomAD 0.005%). This premature translational stop signal has been observed in individuals with CNGA3-related conditions (PMID: 24269407, 26992781). ClinVar contains an entry for this variant (Variation ID: 1075088). This variant disrupts the p.Arg569 amino acid residue in CNGA3. Other variant(s) that disrupt this residue have been determined to be pathogenic (PMID: 11536077, 17693388, 24148654, 26493561, 30337596). This suggests that this residue is clinically significant, and that variants that disrupt this residue are likely to be disease-causing. For these reasons, this variant has been classified as Pathogenic.

Fulgent Genetics
Classification: Pathogenic for Achromatopsia 2. Last evaluated: 2024-04-07. Review status: criteria provided, single submitter. Criteria: ACMG Guidelines, 2015. Collection method: clinical testing. Allele origin: germline.

Blueprint Genetics
Classification: Pathogenic for CNGA3-related disorders. Last evaluated: 2021-11-04. Review status: criteria provided, single submitter. Criteria: ACMG Guidelines, 2015. Collection method: clinical testing. Allele origin: germline. Affected: yes. Observed: 4 variant alleles.

Molecular Genetics laboratory, Necker Hospital
Classification: Pathogenic. Last evaluated: 2021-10-12. Review status: no assertion criteria provided. Collection method: clinical testing. Allele origin: biparental. Affected: yes. Not counted in ClinVar's aggregate classification.

Literature cited by the submitters: PubMed 26992781 (cited by Dasa and Labcorp Genetics (formerly Invitae), Labcorp); PubMed 29618791 (cited by Dasa); PubMed 24903488 (cited by Dasa); PubMed 24269407 (cited by 3billion and Labcorp Genetics (formerly Invitae), Labcorp); PubMed 11536077 (cited by Labcorp Genetics (formerly Invitae), Labcorp); PubMed 17693388 (cited by Labcorp Genetics (formerly Invitae), Labcorp); PubMed 24148654 (cited by Labcorp Genetics (formerly Invitae), Labcorp); PubMed 26493561 (cited by Labcorp Genetics (formerly Invitae), Labcorp); PubMed 30337596 (cited by Labcorp Genetics (formerly Invitae), Labcorp).

NM_001298.3(CNGA3):c.1495C>T (p.Arg499Ter)

Gene: CNGA3 (cyclic nucleotide gated channel subunit alpha 3; plus strand). Cytogenetic location: 2q11.2.
Variant type: single nucleotide variant.
Coding change: c.1495C>T on transcript NM_001298.3 (MANE Select); coding-DNA position 1495, C replaced by T.
Protein change: p.Arg499Ter; replaces arginine 499 with a stop codon.
Molecular consequence: nonsense.
Genome position (GRCh38, 1-based): chr2:98,396,665, C>T. VCF-style: chr2-98396665-C-T. GRCh37 (hg19) VCF-style: chr2-99013128-C-T.
Other names: c.1495C>T (NM_001298.2); c.1441C>T, p.Arg481Ter (NM_001079878.2); short protein forms R481*, R499*.
Identifiers: ClinVar variation 1075088 (VCV001075088.13), dbSNP rs1386641968, ClinGen allele CA347833671.